The following is an entry in ClinVar:

ClinVar aggregate classification (germline): Uncertain significance. Review status: criteria provided, multiple submitters, no conflicts (2 of 4 stars). 2 submissions from 2 submitters: Uncertain significance (2). Last evaluated 2026-04-28.

Conditions:
Inborn genetic diseases. Identifiers: MedGen C0950123, MeSH D030342.
Supravalvar aortic stenosis (SVAS). Also called: Supravalvar aortic stenosis, Eisenberg type. Identifiers: Orphanet 3193, MedGen C0003499, MONDO:0008504, OMIM 185500, HP:0004381.

Submissions (2):

Ambry Genetics
Classification: Uncertain significance for Inborn genetic diseases. Last evaluated: 2026-04-28. Review status: criteria provided, single submitter. Criteria: Ambry Variant Classification Scheme 2023. Collection method: clinical testing. Allele origin: germline.

Labcorp Genetics (formerly Invitae), Labcorp
Classification: Uncertain significance for Supravalvar aortic stenosis. Last evaluated: 2025-02-03. Review status: criteria provided, single submitter. Criteria: Invitae Variant Classification Sherloc (09022015). Collection method: clinical testing. Allele origin: germline.
Comment: This sequence change replaces glycine, which is neutral and non-polar, with glutamic acid, which is acidic and polar, at codon 501 of the ELN protein (p.Gly501Glu). This variant is not present in population databases (gnomAD no frequency). This variant has not been reported in the literature in individuals affected with ELN-related conditions. Experimental studies and prediction algorithms are not available or were not evaluated, and the functional significance of this variant is currently unknown. In summary, the available evidence is currently insufficient to determine the role of this variant in disease. Therefore, it has been classified as a Variant of Uncertain Significance.

NM_000501.4(ELN):c.1415G>A (p.Gly472Glu)

Genes: ELN (elastin; plus strand), ELN-AS1 (ELN antisense RNA 1; minus strand). Cytogenetic location: 7q11.23.
Variant type: single nucleotide variant.
Coding change: c.1415G>A on transcript NM_000501.4 (MANE Select); coding-DNA position 1415, G replaced by A.
Protein change: p.Gly472Glu; replaces glycine 472 with glutamic acid.
Molecular consequence: missense variant. On other transcripts: non-coding transcript variant (1).
Genome position (GRCh38, 1-based): chr7:74,059,886, G>A. VCF-style: chr7-74059886-G-A. GRCh37 (hg19) VCF-style: chr7-73474216-G-A.
Other names: c.1328G>A, p.Gly443Glu (NM_001081752.3); c.1373G>A, p.Gly458Glu (NM_001081753.3); c.1430G>A, p.Gly477Glu (NM_001081754.3); c.1358G>A, p.Gly453Glu (NM_001081755.3); c.1415G>A, p.Gly472Glu (NM_001278912.2); c.1172G>A, p.Gly391Glu (NM_001278913.2); c.1343G>A, p.Gly448Glu (NM_001278914.2); c.1433G>A, p.Gly478Glu (NM_001278915.2); and 5 more; short protein forms G383E, G391E, G439E, G443E, G448E, G453E, G458E, G462E.
Identifiers: ClinVar variation 3629013 (VCV003629013.3).